The following is an entry in ClinVar:

NM_020937.4(FANCM):c.68C>A (p.Pro23Gln)

Genes: FANCM (FA complementation group M; plus strand), LOC130055524 (ATAC-STARR-seq lymphoblastoid active region 8299; plus strand). Cytogenetic location: 14q21.2.
Variant type: single nucleotide variant.
Coding change: c.68C>A on transcript NM_020937.4 (MANE Select); coding-DNA position 68, C replaced by A.
Protein change: p.Pro23Gln; replaces proline 23 with glutamine.
Molecular consequence: missense variant.
Genome position (GRCh38, 1-based): chr14:45,136,099, C>A. VCF-style: chr14-45136099-C-A. GRCh37 (hg19) VCF-style: chr14-45605302-C-A.
Other names: c.68C>A, p.Pro23Gln (NM_001308133.2, NM_001308134.2); short protein forms P23Q.
Identifiers: ClinVar variation 1311682 (VCV001311682.10), dbSNP rs377031191, ClinGen allele CA7168691.

ClinVar aggregate classification (germline): Uncertain significance. Review status: criteria provided, multiple submitters, no conflicts (2 of 4 stars). 2 submissions from 2 submitters: Uncertain significance (2). Last evaluated 2023-07-24.

Conditions:
Fanconi anemia (FA). Also called: Fanconi's anemia. Identifiers: Orphanet 84, MedGen C0015625, MeSH D005199, MONDO:0019391.

Allele frequency attached by ClinVar (database versions not stated): gnomAD exomes 0.00001 and 0.00003; ExAC 0.00002; gnomAD 0.00003; TOPMed 0.00003; ESP Exome Variant Server 0.00008.
gnomAD v4.1: 45 of 1,614,016 alleles (0.0028%); highest among the groups gnomAD compares: Admixed American, 0.0067%; no homozygotes.

Submissions (2):

GeneDx
Classification: Uncertain significance. Last evaluated: 2023-07-24. Review status: criteria provided, single submitter. Criteria: GeneDx Variant Classification Process June 2021. Collection method: clinical testing. Allele origin: germline. Affected: yes.
Comment: Not observed at significant frequency in large population cohorts (gnomAD); In silico analysis supports that this missense variant does not alter protein structure/function; Observed in individuals with ovarian or colorectal cancer (Broderick et al., 2017; Dicks et al., 2017); This variant is associated with the following publications: (PMID: 27713038, 28881617)

Labcorp Genetics (formerly Invitae), Labcorp
Classification: Uncertain significance for Fanconi anemia. Last evaluated: 2023-06-16. Review status: criteria provided, single submitter. Criteria: Invitae Variant Classification Sherloc (09022015). Collection method: clinical testing. Allele origin: germline.
Comment: This variant has not been reported in the literature in individuals affected with FANCM-related conditions. This sequence change replaces proline, which is neutral and non-polar, with glutamine, which is neutral and polar, at codon 23 of the FANCM protein (p.Pro23Gln). This variant is present in population databases (rs377031191, gnomAD 0.002%). ClinVar contains an entry for this variant (Variation ID: 1311682). An algorithm developed to predict the effect of missense changes on protein structure and function (PolyPhen-2) suggests that this variant is likely to be disruptive. In summary, the available evidence is currently insufficient to determine the role of this variant in disease. Therefore, it has been classified as a Variant of Uncertain Significance.